The following is an entry in ClinVar:

ClinVar aggregate classification (germline): Uncertain significance (1 of 4 stars; one submission).

Conditions:
MHC class I deficiency. Identifiers: Orphanet 34592, MedGen C6024714, MONDO:0011476.

Allele frequency attached by ClinVar (database versions not stated): gnomAD exomes 0.00001; TOPMed 0.00001; gnomAD 0.00002.
gnomAD v4.1: 12 of 1,613,598 alleles (0.00074%); highest among the groups gnomAD compares: African/African-American, 0.012%; no homozygotes.

Submission:

Labcorp Genetics (formerly Invitae), Labcorp
Classification: Uncertain significance for MHC class I deficiency 1. Last evaluated: 2023-10-20. Review status: criteria provided, single submitter. Criteria: Invitae Variant Classification Sherloc (09022015). Collection method: clinical testing. Allele origin: germline.
Comment: This sequence change replaces glycine, which is neutral and non-polar, with arginine, which is basic and polar, at codon 645 of the TAP1 protein (p.Gly645Arg). This variant is present in population databases (no rsID available, gnomAD 0.01%). This variant has not been reported in the literature in individuals affected with TAP1-related conditions. Algorithms developed to predict the effect of missense changes on protein structure and function output the following: SIFT: "Not Available"; PolyPhen-2: "Benign"; Align-GVGD: "Not Available". The arginine amino acid residue is found in multiple mammalian species, which suggests that this missense change does not adversely affect protein function. In summary, the available evidence is currently insufficient to determine the role of this variant in disease. Therefore, it has been classified as a Variant of Uncertain Significance.

NM_000593.6(TAP1):c.1753G>A (p.Gly585Arg)

Gene: TAP1 (transporter 1, ATP binding cassette subfamily B member; minus strand). Cytogenetic location: 6p21.32.
Variant type: single nucleotide variant.
Coding change: c.1753G>A on transcript NM_000593.6 (MANE Select); coding-DNA position 1753, G replaced by A.
Protein change: p.Gly585Arg; replaces glycine 585 with arginine.
Molecular consequence: missense variant.
Genome position (GRCh38, 1-based): chr6:32,847,663, C>T on the plus strand (G>A on the coding strand, the complement: TAP1 is on the minus strand). VCF-style: chr6-32847663-C-T. GRCh37 (hg19) VCF-style: chr6-32815440-C-T.
Other names: c.1150G>A, p.Gly384Arg (NM_001292022.2); short protein forms G384R, G585R.
Identifiers: ClinVar variation 2894430 (VCV002894430.1), dbSNP rs1024069465, ClinGen allele CA137013922.